The following is an entry in ClinVar:

NM_001365951.3(KIF1B):c.1671-3C>G

Gene: KIF1B (kinesin family member 1B; plus strand). Cytogenetic location: 1p36.22.
Variant type: single nucleotide variant.
Coding change: c.1671-3C>G on transcript NM_001365951.3 (MANE Select); 3 bases into the intron before coding-DNA position 1671, C replaced by G.
Molecular consequence: intron variant.
Genome position (GRCh38, 1-based): chr1:10,295,657, C>G. VCF-style: chr1-10295657-C-G. GRCh37 (hg19) VCF-style: chr1-10355715-C-G.
Other names: c.1533-3C>G (NM_183416.4, NM_015074.3, NM_001365953.1); c.1671-3C>G (NM_001365952.1).
Identifiers: ClinVar variation 945743 (VCV000945743.14), dbSNP rs1302986414, ClinGen allele CA521143380.

ClinVar aggregate classification (germline): Uncertain significance. Review status: criteria provided, multiple submitters, no conflicts (2 of 4 stars). 3 submissions from 3 submitters: Uncertain significance (3). Last evaluated 2025-06-02.

Conditions:
KIF1B-related disorder. Also called: KIF1B-related condition.
Charcot-Marie-Tooth disease type 2. Also called: Charcot-Marie-Tooth type 2. Identifiers: Orphanet 64746, MedGen C0270914, MONDO:0018993.

Allele frequency attached by ClinVar (database versions not stated): gnomAD exomes below 0.00001.
gnomAD v4.1: 2 of 1,612,814 alleles (0.00012%); highest among the groups gnomAD compares: Non-Finnish European, 0.000085%; no homozygotes.

Submissions (3):

PreventionGenetics, part of Exact Sciences
Classification: Uncertain significance for KIF1B-related condition. Last evaluated: 2025-06-02. Review status: criteria provided, single submitter. Criteria: ACMG Guidelines, 2015. Collection method: clinical testing. Allele origin: germline.
Comment: The KIF1B c.1533-3C>G variant is predicted to interfere with splicing. This variant is predicted to impact splicing based on splicing prediction programs (SpliceAI, Jaganathan K, et al. 2019. PubMed ID: 30661751). However, the use of computer prediction programs is not equivalent to functional evidence. To our knowledge, this variant has not been reported in the literature. This variant is reported in 0.00088% of alleles in individuals of European (Non-Finnish) descent in gnomAD. This variant is interpreted as uncertain in ClinVar. At this time, the clinical significance of this variant is uncertain due to the absence of conclusive functional and genetic evidence.

Ambry Genetics
Classification: Uncertain significance. Last evaluated: 2024-06-04. Review status: criteria provided, single submitter. Criteria: Ambry Variant Classification Scheme 2023. Collection method: clinical testing. Allele origin: germline.
Comment: The c.1533-3C>G intronic variant results from a C to G substitution 3 nucleotides upstream from coding exon 16 in the KIF1B gene. This nucleotide position is well conserved in available vertebrate species. In silico splice site analysis predicts that this alteration will result in the creation or strengthening of a novel splice acceptor site. The evidence for this gene-disease relationship is limited; therefore, the clinical significance of this alteration is unclear.

Labcorp Genetics (formerly Invitae), Labcorp
Classification: Uncertain significance for Charcot-Marie-Tooth disease type 2. Last evaluated: 2019-06-13. Review status: criteria provided, single submitter. Criteria: Invitae Variant Classification Sherloc (09022015). Collection method: clinical testing. Allele origin: germline.
Comment: This sequence change falls in intron 16 of the KIF1B gene. It does not directly change the encoded amino acid sequence of the KIF1B protein, but it affects a nucleotide within the consensus splice site of the intron. This variant is not present in population databases (ExAC no frequency). In summary, the available evidence is currently insufficient to determine the role of this variant in disease. Therefore, it has been classified as a Variant of Uncertain Significance. Nucleotide substitutions within the consensus splice site are a relatively common cause of aberrant splicing (PMID: 17576681, 9536098). Algorithms developed to predict the effect of sequence changes on RNA splicing suggest that this variant may disrupt the consensus splice site, but this prediction has not been confirmed by published transcriptional studies. This variant has not been reported in the literature in individuals with KIF1B-related conditions.

Literature cited by the submitters: PubMed 17576681 (cited by Labcorp Genetics (formerly Invitae), Labcorp); PubMed 9536098 (cited by Labcorp Genetics (formerly Invitae), Labcorp).